The following is an entry in ClinVar:

NM_001277115.2(DNAH11):c.7626G>A (p.Thr2542=)

Gene: DNAH11 (dynein axonemal heavy chain 11; plus strand). Cytogenetic location: 7p15.3.
Variant type: single nucleotide variant.
Coding change: c.7626G>A on transcript NM_001277115.2 (MANE Select); coding-DNA position 7626, G replaced by A.
Protein change: p.Thr2542=; no amino-acid change (threonine 2542 retained).
Molecular consequence: synonymous variant.
Genome position (GRCh38, 1-based): chr7:21,735,825, G>A. VCF-style: chr7-21735825-G-A. GRCh37 (hg19) VCF-style: chr7-21775443-G-A.
Other names: p.Thr2542=.
Identifiers: ClinVar variation 163110 (VCV000163110.31), dbSNP rs2072221, ClinGen allele CA175729.

ClinVar aggregate classification (germline): Benign/Likely benign. Review status: criteria provided, multiple submitters, no conflicts (2 of 4 stars). 9 submissions from 9 submitters: Benign (6); Likely benign (1). 2 of the submissions do not count toward it. Last evaluated 2026-02-04.

Conditions:
Primary ciliary dyskinesia. Also called: Ciliary dyskinesia. Identifiers: Orphanet 244, MedGen C0008780, MONDO:0016575, HP:0012265.
Primary ciliary dyskinesia 7. Also called: CILIARY DYSKINESIA, PRIMARY, 7, WITH OR WITHOUT SITUS INVERSUS. Identifiers: Orphanet 244, MedGen C2678473, MONDO:0012748, OMIM 611884.

Allele frequency attached by ClinVar (database versions not stated): 1000 Genomes Project 0.75539; 1000 Genomes Project 30x 0.76077; TOPMed 0.83935; ESP Exome Variant Server 0.85750.
gnomAD v4.1: 1,376,959 of 1,610,410 alleles (86%); highest among the groups gnomAD compares: Non-Finnish European, 88%; 592,010 homozygotes.

Submissions (9):

Labcorp Genetics (formerly Invitae), Labcorp
Classification: Benign for Primary ciliary dyskinesia. Last evaluated: 2026-02-04. Review status: criteria provided, single submitter. Criteria: Invitae Variant Classification Sherloc (09022015). Collection method: clinical testing. Allele origin: germline.

Blueprint Genetics
Classification: Likely benign. Last evaluated: 2024-11-27. Review status: criteria provided, single submitter. Criteria: ACMG Guidelines, 2015. Collection method: clinical testing. Allele origin: germline.

Mayo Clinic Laboratories, Mayo Clinic
Classification: Benign. Last evaluated: 2022-04-26. Review status: criteria provided, single submitter. Criteria: ACMG Guidelines, 2015. Collection method: clinical testing. Allele origin: germline. Observed: 200 variant alleles.

Genome-Nilou Lab
Classification: Benign for Primary ciliary dyskinesia 7. Last evaluated: 2021-07-30. Review status: criteria provided, single submitter. Criteria: ACMG Guidelines, 2015. Collection method: clinical testing. Allele origin: germline. Affected: no.

GeneDx
Classification: Benign. Last evaluated: 2018-11-28. Review status: criteria provided, single submitter. Criteria: GeneDx Variant Classification Process June 2021. Collection method: clinical testing. Allele origin: germline. Affected: yes.

Laboratory for Molecular Medicine, Mass General Brigham Personalized Medicine
Classification: Benign. Last evaluated: 2013-02-21. Review status: criteria provided, single submitter. Criteria: LMM Criteria. Collection method: clinical testing. Allele origin: germline. Observed: 104 variant alleles.
Comment: Thr2542Thr in exon 46 of DNAH11: This variant is not expected to have clinical s ignificance because it does not alter an amino acid residue and is not located w ithin the splice consensus sequence. It has been identified in 15.2% (589/3870) of African American chromosomes from a broad population by the NHLBI Exome Seque ncing Project (dbSNP rs2072221).

PreventionGenetics, part of Exact Sciences
Classification: Benign. Review status: criteria provided, single submitter. Criteria: ACMG Guidelines, 2015. Collection method: clinical testing. Allele origin: germline.

Clinical Genetics DNA and cytogenetics Diagnostics Lab, Erasmus MC, Erasmus Medical Center
Classification: Benign. Review status: no assertion criteria provided. Collection method: clinical testing. Allele origin: germline. Affected: yes. Study: VKGL Data-share Consensus. Not counted in ClinVar's aggregate classification.

Diagnostic Laboratory, Department of Genetics, University Medical Center Groningen
Classification: Benign. Review status: no assertion criteria provided. Collection method: clinical testing. Allele origin: germline. Affected: yes. Study: VKGL Data-share Consensus. Not counted in ClinVar's aggregate classification.